The following is an entry in ClinVar:

ClinVar aggregate classification (germline): Uncertain significance (1 of 4 stars; one submission).

Submission:

GeneDx
Classification: Uncertain significance. Last evaluated: 2024-11-15. Review status: criteria provided, single submitter. Criteria: GeneDx Variant Classification Process June 2021. Collection method: clinical testing. Allele origin: germline. Affected: yes.
Comment: Not observed at significant frequency in large population cohorts (gnomAD); In silico analysis supports that this missense variant has a deleterious effect on protein structure/function; Has not been previously published as pathogenic or benign to our knowledge

NM_001793.6(CDH3):c.2486A>G (p.Asp829Gly)

Gene: CDH3 (cadherin 3; plus strand). Cytogenetic location: 16q22.1.
Variant type: single nucleotide variant.
Coding change: c.2486A>G on transcript NM_001793.6 (MANE Select); coding-DNA position 2486, A replaced by G.
Protein change: p.Asp829Gly; replaces aspartic acid 829 with glycine.
Molecular consequence: missense variant. On other transcripts: 3 prime UTR variant (1).
Genome position (GRCh38, 1-based): chr16:68,698,396, A>G. VCF-style: chr16-68698396-A-G. GRCh37 (hg19) VCF-style: chr16-68732299-A-G.
Other names: c.*229A>G (NM_001317195.3); c.2321A>G, p.Asp774Gly (NM_001317196.2); short protein forms D774G, D829G.
Identifiers: ClinVar variation 3899615 (VCV003899615.1).